The following is an entry in ClinVar:

ClinVar aggregate classification (germline): Uncertain significance. Review status: criteria provided, multiple submitters, no conflicts (2 of 4 stars). 2 submissions from 2 submitters: Uncertain significance (2). Last evaluated 2026-01-25.

Conditions:
Hereditary cancer-predisposing syndrome. Also called: Tumor predisposition; Hereditary Cancer Syndrome; Hereditary neoplastic syndrome; Neoplastic Syndromes, Hereditary. Identifiers: Orphanet 140162, MedGen C0027672, MeSH D009386, MONDO:0015356.
Tuberous sclerosis 1 (TSC1). Identifiers: Orphanet 805, MedGen C1854465, MONDO:0008612, OMIM 191100.

Submissions (2):

Ambry Genetics
Classification: Uncertain significance for Hereditary cancer-predisposing syndrome. Last evaluated: 2026-01-25. Review status: criteria provided, single submitter. Criteria: Ambry Variant Classification Scheme 2023. Collection method: clinical testing. Allele origin: germline.
Comment: The p.S914F variant (also known as c.2741C>T), located in coding exon 19 of the TSC1 gene, results from a C to T substitution at nucleotide position 2741. The serine at codon 914 is replaced by phenylalanine, an amino acid with highly dissimilar properties. This amino acid position is conserved. In addition, the in silico prediction for this alteration is inconclusive. Based on the available evidence, the clinical significance of this variant remains unclear.

Labcorp Genetics (formerly Invitae), Labcorp
Classification: Uncertain significance for Tuberous sclerosis 1. Last evaluated: 2022-11-08. Review status: criteria provided, single submitter. Criteria: Invitae Variant Classification Sherloc (09022015). Collection method: clinical testing. Allele origin: germline.
Comment: In summary, the available evidence is currently insufficient to determine the role of this variant in disease. Therefore, it has been classified as a Variant of Uncertain Significance. Advanced modeling of protein sequence and biophysical properties (such as structural, functional, and spatial information, amino acid conservation, physicochemical variation, residue mobility, and thermodynamic stability) performed at Invitae indicates that this missense variant is not expected to disrupt TSC1 protein function. This variant has not been reported in the literature in individuals affected with TSC1-related conditions. This variant is not present in population databases (gnomAD no frequency). This sequence change replaces serine, which is neutral and polar, with phenylalanine, which is neutral and non-polar, at codon 914 of the TSC1 protein (p.Ser914Phe).

NM_000368.5(TSC1):c.2741C>T (p.Ser914Phe)

Gene: TSC1 (TSC complex subunit 1; minus strand). Cytogenetic location: 9q34.13.
Variant type: single nucleotide variant.
Coding change: c.2741C>T on transcript NM_000368.5 (MANE Select); coding-DNA position 2741, C replaced by T.
Protein change: p.Ser914Phe; replaces serine 914 with phenylalanine.
Molecular consequence: missense variant. On other transcripts: non-coding transcript variant (5).
Genome position (GRCh38, 1-based): chr9:132,897,495, G>A on the plus strand (C>T on the coding strand, the complement: TSC1 is on the minus strand). VCF-style: chr9-132897495-G-A. GRCh37 (hg19) VCF-style: chr9-135772882-G-A.
Other names: c.2738C>T, p.Ser913Phe (NM_001162426.2, NM_001406597.1, NM_001406598.1 and 2 more transcripts); c.2588C>T, p.Ser863Phe (NM_001162427.2, NM_001406610.1); c.2378C>T, p.Ser793Phe (NM_001362177.2, NM_001406614.1, NM_001406615.1 and 4 more transcripts); c.2741C>T, p.Ser914Phe (NM_001406592.1, NM_001406593.1, NM_001406594.1 and 2 more transcripts); c.2726C>T, p.Ser909Phe (NM_001406601.1, NM_001406602.1); c.2543C>T, p.Ser848Phe (NM_001406613.1); c.2375C>T, p.Ser792Phe (NM_001406620.1, NM_001406621.1, NM_001406622.1 and 1 more transcripts); c.2336C>T, p.Ser779Phe (NM_001406624.1); and 8 more; short protein forms S792F, S909F, S913F, S779F, S793F, S899F, S914F, S563F.
Identifiers: ClinVar variation 2775460 (VCV002775460.4), dbSNP rs2131633763, ClinGen allele CA375369272.